The following is an entry in ClinVar:

ClinVar aggregate classification (germline): Pathogenic (1 of 4 stars; one submission).

Submission:

Labcorp Genetics (formerly Invitae), Labcorp
Classification: Pathogenic. Last evaluated: 2018-06-03. Review status: criteria provided, single submitter. Criteria: Invitae Variant Classification Sherloc (09022015). Collection method: clinical testing. Allele origin: germline.
Comment: This variant is a gross deletion of the genomic region encompassing exons 1-5 of the RNASET2 gene, which includes the initiator codon. The 5' end of this event is unknown as it extends beyond the assayed region for this gene and therefore may encompass additional genes. The 3' boundary is likely confined to intron 5 of the RNASET2 gene. This is expected to result in an absent or disrupted protein product. This variant has not been reported in the literature in individuals with RNASET2-related disease. Loss-of-function variants in RNASET2 are known to be pathogenic (PMID: 19525954). For these reasons, this variant has been classified as Pathogenic.

Literature cited by the submitters: PubMed 19525954.

NC_000006.11:g.(?_167356507)_(167369670_?)del

Gene: RNASET2 (ribonuclease T2; minus strand). Cytogenetic location: 6q27.
Variant type: Deletion.
Identifiers: ClinVar variation 1071170 (VCV001071170.4).